The following is an entry in ClinVar:

NM_000535.7(PMS2):c.2446-12T>C

Gene: PMS2 (PMS1 homolog 2, mismatch repair system component; minus strand). Cytogenetic location: 7p22.1.
Variant type: single nucleotide variant.
Coding change: c.2446-12T>C on transcript NM_000535.7 (MANE Select); 12 bases into the intron before coding-DNA position 2446, T replaced by C.
Molecular consequence: intron variant.
Genome position (GRCh38, 1-based): chr7:5,973,554, A>G on the plus strand (T>C on the coding strand, the complement: PMS2 is on the minus strand). VCF-style: chr7-5973554-A-G. GRCh37 (hg19) VCF-style: chr7-6013185-A-G.
Other names: c.2128-12T>C (NM_001322008.2, NM_001322007.2); c.1885-12T>C (NM_001322010.2); c.2041-12T>C (NM_001322004.2, NM_001322003.2, NM_001322005.2); c.1873-12T>C (NM_001322013.2); c.1513-12T>C (NM_001322012.2, NM_001322011.2); c.2137-12T>C (NM_001322015.2); c.2290-12T>C (NM_001322006.2); c.2479-12T>C (NM_001322014.2); and 1 more.
Identifiers: ClinVar variation 1631201 (VCV001631201.9), dbSNP rs1781513491, ClinGen allele CA2573141929.

ClinVar aggregate classification (germline): Likely benign. Review status: criteria provided, multiple submitters, no conflicts (2 of 4 stars). 2 submissions from 2 submitters: Likely benign (2). Last evaluated 2025-06-06.

Conditions:
Lynch syndrome 4 (LYNCH4). Also called: Hereditary non-polyposis colorectal cancer, type 4; Colorectal cancer, hereditary nonpolyposis, type 4. Identifiers: Orphanet 144, MedGen C1838333, MONDO:0013699, OMIM 614337. Disease mechanism: loss of function.
Hereditary nonpolyposis colorectal neoplasms. Identifiers: MedGen C0009405, MeSH D003123.

Submissions (2):

Labcorp Genetics (formerly Invitae), Labcorp
Classification: Likely benign for Hereditary nonpolyposis colorectal neoplasms. Last evaluated: 2025-06-06. Review status: criteria provided, single submitter. Criteria: Invitae Variant Classification Sherloc (09022015). Collection method: clinical testing. Allele origin: germline.

Myriad Genetics, Inc.
Classification: Likely benign for Lynch syndrome 4. Last evaluated: 2025-02-04. Review status: criteria provided, single submitter. Criteria: Myriad Autosomal Dominant, Autosomal Recessive and X-Linked Classification Criteria (2023). Collection method: clinical testing. Allele origin: unknown.
Comment: This variant is considered likely benign. This variant is intronic and is not expected to impact mRNA splicing.